The following is an entry in ClinVar:

ClinVar aggregate classification (germline): Uncertain significance (1 of 4 stars; one submission).

Allele frequency attached by ClinVar (database versions not stated): TOPMed below 0.00001; gnomAD 0.00001.

Submission:

GeneDx
Classification: Uncertain significance. Last evaluated: 2023-03-26. Review status: criteria provided, single submitter. Criteria: GeneDx Variant Classification Process June 2021. Collection method: clinical testing. Allele origin: germline. Affected: yes.
Comment: Not observed at significant frequency in large population cohorts (gnomAD); In silico analysis supports that this missense variant has a deleterious effect on protein structure/function; Has not been previously published as pathogenic or benign to our knowledge

NM_003709.4(KLF7):c.154G>A (p.Glu52Lys)

Gene: KLF7 (KLF transcription factor 7; minus strand). Cytogenetic location: 2q33.3.
Variant type: single nucleotide variant.
Coding change: c.154G>A on transcript NM_003709.4 (MANE Select); coding-DNA position 154, G replaced by A.
Protein change: p.Glu52Lys; replaces glutamic acid 52 with lysine.
Molecular consequence: missense variant. On other transcripts: non-coding transcript variant (1).
Genome position (GRCh38, 1-based): chr2:207,124,353, C>T on the plus strand (G>A on the coding strand, the complement: KLF7 is on the minus strand). VCF-style: chr2-207124353-C-T. GRCh37 (hg19) VCF-style: chr2-207989077-C-T.
Other names: c.154G>A, p.Glu52Lys (NM_001270942.1); c.55G>A, p.Glu19Lys (NM_001270943.2); c.70G>A, p.Glu24Lys (NM_001270944.2); short protein forms E19K, E24K, E52K.
Identifiers: ClinVar variation 2582018 (VCV002582018.1), dbSNP rs2077423085, ClinGen allele CA350158158.